The following is an entry in ClinVar:

NM_000448.3(RAG1):c.1674G>C (p.Lys558Asn)

Gene: RAG1 (recombination activating 1; plus strand). Cytogenetic location: 11p12.
Variant type: single nucleotide variant.
Coding change: c.1674G>C on transcript NM_000448.3 (MANE Select); coding-DNA position 1674, G replaced by C.
Protein change: p.Lys558Asn; replaces lysine 558 with asparagine.
Molecular consequence: missense variant.
Genome position (GRCh38, 1-based): chr11:36,574,978, G>C. VCF-style: chr11-36574978-G-C. GRCh37 (hg19) VCF-style: chr11-36596528-G-C.
Other names: c.1674G>C, p.Lys558Asn (NM_001377279.1, NM_001377280.1, NM_001377277.1 and 1 more transcripts); short protein forms K558N.
Identifiers: ClinVar variation 860691 (VCV000860691.11), dbSNP rs150790148, ClinGen allele CA5950171.

ClinVar aggregate classification (germline): Uncertain significance. Review status: criteria provided, multiple submitters, no conflicts (2 of 4 stars). 4 submissions from 3 submitters: Uncertain significance (4). Last evaluated 2025-11-10.

Conditions:
Histiocytic medullary reticulosis. Also called: Omenn syndrome; SEVERE COMBINED IMMUNODEFICIENCY WITH HYPEREOSINOPHILIA. Identifiers: Orphanet 39041, MedGen C2700553, MONDO:0011338, OMIM 603554.
Severe combined immunodeficiency, autosomal recessive, T cell-negative, B cell-negative, NK cell-positive. Also called: Severe combined immunodeficiency due to complete RAG1/2 deficiency; SCID, T CELL-NEGATIVE, B CELL-NEGATIVE, NK CELL-POSITIVE; SCID, AR, T-cell negative, B-cell negative, NK cell-positive. Identifiers: Orphanet 331206, MedGen C1832322, MONDO:0011086, OMIM 601457.
Combined immunodeficiency with skin granulomas. Identifiers: Orphanet 157949, MedGen C2673536, MONDO:0009306, OMIM 233650.

Allele frequency attached by ClinVar (database versions not stated): ExAC 0.00012; gnomAD exomes 0.00014 and 0.00027; ESP Exome Variant Server 0.00015; gnomAD 0.00017 and 0.00019; TOPMed 0.00017.
gnomAD v4.1: 410 of 1,614,072 alleles (0.025%); highest among the groups gnomAD compares: Non-Finnish European, 0.033%; no homozygotes.

Submissions (4):

Labcorp Genetics (formerly Invitae), Labcorp
Classification: Uncertain significance for Combined immunodeficiency with skin granulomas; Severe combined immunodeficiency, autosomal recessive, T cell-negative, B cell-negative, NK cell-positive. Last evaluated: 2025-11-10. Review status: criteria provided, single submitter. Criteria: Invitae Variant Classification Sherloc (09022015). Collection method: clinical testing. Allele origin: germline.
Comment: This sequence change replaces lysine, which is basic and polar, with asparagine, which is neutral and polar, at codon 558 of the RAG1 protein (p.Lys558Asn). This variant is present in population databases (rs150790148, gnomAD 0.03%). This variant has not been reported in the literature in individuals affected with RAG1-related conditions. ClinVar contains an entry for this variant (Variation ID: 860691). Invitae Evidence Modeling of protein sequence and biophysical properties (such as structural, functional, and spatial information, amino acid conservation, physicochemical variation, residue mobility, and thermodynamic stability) indicates that this missense variant is not expected to disrupt RAG1 protein function with a negative predictive value of 80%. In summary, the available evidence is currently insufficient to determine the role of this variant in disease. Therefore, it has been classified as a Variant of Uncertain Significance.

Blueprint Genetics
Classification: Uncertain significance. Last evaluated: 2024-10-15. Review status: criteria provided, single submitter. Criteria: ACMG Guidelines, 2015. Collection method: clinical testing. Allele origin: germline.

Illumina Laboratory Services, Illumina
Classification: Uncertain significance for Histiocytic medullary reticulosis. Last evaluated: 2017-04-27. Review status: criteria provided, single submitter. Criteria: ICSL Variant Classification Criteria 13 December 2019. Collection method: clinical testing. Allele origin: germline.

Illumina Laboratory Services, Illumina
Classification: Uncertain significance for Severe combined immunodeficiency, autosomal recessive, T cell-negative, B cell-negative, NK cell-positive. Last evaluated: 2017-04-27. Review status: criteria provided, single submitter. Criteria: ICSL Variant Classification Criteria 13 December 2019. Collection method: clinical testing. Allele origin: germline.